The following is an entry in ClinVar:

NM_001193315.2(VIPAS39):c.1048-1G>A

Gene: VIPAS39 (VPS33B interacting protein, apical-basolateral polarity regulator, spe-39 homolog; minus strand). Cytogenetic location: 14q24.3.
Variant type: single nucleotide variant.
Coding change: c.1048-1G>A on transcript NM_001193315.2 (MANE Select); the canonical splice acceptor site of the intron before coding-DNA position 1048, G replaced by A.
Molecular consequence: splice acceptor variant.
Genome position (GRCh38, 1-based): chr14:77,434,304, C>T on the plus strand (G>A on the coding strand, the complement: VIPAS39 is on the minus strand). VCF-style: chr14-77434304-C-T. GRCh37 (hg19) VCF-style: chr14-77900647-C-T.
Other names: c.808-1G>A (NM_001400337.1); c.901-1G>A (NM_001193316.2, NM_001400324.1, NM_001400325.1); c.955-1G>A (NM_001400333.1, NM_001400334.1); c.1015-1G>A (NM_001400327.1); c.946-1G>A (NM_001400338.1); c.763-1G>A (NM_001400339.1); c.913-1G>A (NM_001400336.1); c.1048-1G>A (NM_001400330.1, NM_001400335.1, NM_001400332.1 and 5 more transcripts).
Identifiers: ClinVar variation 3377487 (VCV003377487.1).
Genomic context (GRCh38, chr14:77,434,304, plus strand): 5'-TGACCAATTTGTATCTACCTTAAATGTCTTCTTCAGGTTGACGGGACTGCTGAATGTCCC[C>T]TAGGATGAAAGTGAAAAAGGAACTTTAGTGATATTGACTTTCCCAAGTACCACCCAAGCT-3'

ClinVar aggregate classification (germline): Likely pathogenic (1 of 4 stars; one submission).

Conditions:
Arthrogryposis, renal dysfunction, and cholestasis 2 (ARCS2). Identifiers: Orphanet 2697, MedGen C3150672, MONDO:0013255, OMIM 613404.

Submission:

Victorian Clinical Genetics Services, Murdoch Childrens Research Institute
Classification: Likely pathogenic for Arthrogryposis, renal dysfunction, and cholestasis 2. Last evaluated: 2024-10-08. Review status: criteria provided, single submitter. Criteria: ACMG Guidelines, 2015. Collection method: clinical testing. Allele origin: germline. Inheritance: Autosomal recessive inheritance. Affected: yes.
Comment: Based on the classification scheme VCGS_Germline_v1.3.4, this variant is classified as Likely Pathogenic. Following criteria are met: 0102 - Loss of function is a known mechanism of disease in this gene and is associated with arthrogryposis, renal dysfunction, and cholestasis 2 (MIM#613404). (I) 0106 - This gene is associated with autosomal recessive disease. (I) 0211 - Canonical splice site variant without proven consequence on splicing (no functional evidence available). (SP) 0252 - This variant is homozygous. (I) 0301 - Variant is absent from gnomAD (both v2 and v3). (SP) 0505 - Abnormal splicing is predicted by in silico tools and affected nucleotide is highly conserved. (SP) 0704 - Another canonical splice variant comparable to the one identified in this case has limited previous evidence for pathogenicity. c.1048-1G>T has been reported as likely pathogenic in ClinVar. (SP) 0807 - This variant has no previous evidence of pathogenicity. (I) 0905 - No published segregation evidence has been identified for this variant. (I) 1101 - Very strong and specific phenotype match for this individual. (SP) 1007 - No published functional evidence has been identified for this variant. (I) Legend: (SP) - Supporting pathogenic, (I) - Information, (SB) - Supporting benign